The following is an entry in ClinVar:

NM_000166.6(GJB1):c.50C>T (p.Ser17Phe)

Gene: GJB1 (gap junction protein beta 1; plus strand). Cytogenetic location: Xq13.1.
Variant type: single nucleotide variant.
Coding change: c.50C>T on transcript NM_000166.6 (MANE Select); coding-DNA position 50, C replaced by T.
Protein change: p.Ser17Phe; replaces serine 17 with phenylalanine.
Molecular consequence: missense variant.
Genome position (GRCh38, 1-based): chrX:71,223,757, C>T. VCF-style: chrX-71223757-C-T. GRCh37 (hg19) VCF-style: chrX-70443607-C-T.
Other names: c.50C>T, p.Ser17Phe (NM_001097642.3); short protein forms S17F.
Identifiers: ClinVar variation 3652863 (VCV003652863.2).

ClinVar aggregate classification (germline): Uncertain significance (1 of 4 stars; one submission).

Conditions:
Charcot-Marie-Tooth Neuropathy X. Identifiers: MedGen CN118851.

Submission:

Labcorp Genetics (formerly Invitae), Labcorp
Classification: Uncertain significance for Charcot-Marie-Tooth Neuropathy X. Last evaluated: 2024-06-11. Review status: criteria provided, single submitter. Criteria: Invitae Variant Classification Sherloc (09022015). Collection method: clinical testing. Allele origin: germline.
Comment: This sequence change replaces serine, which is neutral and polar, with phenylalanine, which is neutral and non-polar, at codon 17 of the GJB1 protein (p.Ser17Phe). This variant is not present in population databases (gnomAD no frequency). This missense change has been observed in individual(s) with clinical features of Charcot-Marie-Tooth disease (Invitae). Advanced modeling of protein sequence and biophysical properties (such as structural, functional, and spatial information, amino acid conservation, physicochemical variation, residue mobility, and thermodynamic stability) performed at Invitae indicates that this missense variant is expected to disrupt GJB1 protein function with a positive predictive value of 80%. This variant disrupts the p.Ser17 amino acid residue in GJB1. Other variant(s) that disrupt this residue have been observed in individuals with GJB1-related conditions (PMID: 20039784), which suggests that this may be a clinically significant amino acid residue. In summary, the available evidence is currently insufficient to determine the role of this variant in disease. Therefore, it has been classified as a Variant of Uncertain Significance.

Literature cited by the submitters: PubMed 20039784.